The following is an entry in ClinVar:

ClinVar aggregate classification (germline): Uncertain significance (1 of 4 stars; one submission).

Conditions:
POLD1-related polyposis and colorectal cancer syndrome (CRCS10). Also called: Colorectal cancer 10; COLORECTAL CANCER, SUSCEPTIBILITY TO, ON CHROMOSOME 19q; Colorectal cancer, susceptibility to, 10. Identifiers: Orphanet 220460, MedGen C2675481, MONDO:0012953, OMIM 612591.

Submission:

Labcorp Genetics (formerly Invitae), Labcorp
Classification: Uncertain significance for POLD1-related polyposis and colorectal cancer syndrome. Last evaluated: 2024-09-16. Review status: criteria provided, single submitter. Criteria: Invitae Variant Classification Sherloc (09022015). Collection method: clinical testing. Allele origin: germline.
Comment: This sequence change replaces threonine, which is neutral and polar, with serine, which is neutral and polar, at codon 539 of the POLD1 protein (p.Thr539Ser). This variant is not present in population databases (gnomAD no frequency). This variant has not been reported in the literature in individuals affected with POLD1-related conditions. Invitae Evidence Modeling of protein sequence and biophysical properties (such as structural, functional, and spatial information, amino acid conservation, physicochemical variation, residue mobility, and thermodynamic stability) indicates that this missense variant is not expected to disrupt POLD1 protein function with a negative predictive value of 80%. In summary, the available evidence is currently insufficient to determine the role of this variant in disease. Therefore, it has been classified as a Variant of Uncertain Significance.

NM_002691.4(POLD1):c.1616C>G (p.Thr539Ser)

Gene: POLD1 (DNA polymerase delta 1, catalytic subunit; plus strand). Cytogenetic location: 19q13.33.
Variant type: single nucleotide variant.
Coding change: c.1616C>G on transcript NM_002691.4 (MANE Select); coding-DNA position 1616, C replaced by G.
Protein change: p.Thr539Ser; replaces threonine 539 with serine.
Molecular consequence: missense variant. On other transcripts: non-coding transcript variant (1).
Genome position (GRCh38, 1-based): chr19:50,407,104, C>G. VCF-style: chr19-50407104-C-G. GRCh37 (hg19) VCF-style: chr19-50910361-C-G.
Other names: c.1616C>G, p.Thr539Ser (NM_001256849.1, NM_001308632.1); short protein forms T539S.
Identifiers: ClinVar variation 2991917 (VCV002991917.3), dbSNP rs754969306, ClinGen allele CA406980982.
Genomic context (GRCh38, chr19:50,407,104, plus strand): 5'-CACTGCGGCTGCTGGAGCGGCTCATGGTGCTGGTGAACGCCGTGGAGATGGCGAGGGTCA[C>G]TGGCGTGCCCCTCAGCTACCTGCTCAGTCGTGGCCAGCAGGTCAAGGTCGTATCCCAGCT-3'
Protein context (NP_002682.2, residues 529-549): LVNAVEMARV[Thr539Ser]GVPLSYLLSR